The following is an entry in ClinVar:

ClinVar aggregate classification (germline): Conflicting classifications of pathogenicity. Review status: criteria provided, conflicting classifications (1 of 4 stars). 6 submissions from 6 submitters: Uncertain significance (1); Likely benign (3). 2 of the submissions do not count toward it. Last evaluated 2026-06-01.

Allele frequency attached by ClinVar (database versions not stated): gnomAD 0.00024 and 0.00025; ExAC 0.00228.

Submissions (13):

CeGaT Center for Human Genetics Tuebingen
Classification: Likely benign. Last evaluated: 2026-06-01. Review status: criteria provided, single submitter. Criteria: CeGaT Center For Human Genetics Tuebingen Variant Classification Criteria Version 2. Collection method: clinical testing. Allele origin: germline. Affected: yes. Observed: 6 variant alleles.
Comment: KANK1: BP4, BS2

Labcorp Genetics (formerly Invitae), Labcorp
Classification: Likely benign. Last evaluated: 2025-11-03. Review status: criteria provided, single submitter. Criteria: Invitae Variant Classification Sherloc (09022015). Collection method: clinical testing. Allele origin: germline.

GeneDx
Classification: Likely benign. Last evaluated: 2020-12-01. Review status: criteria provided, single submitter. Criteria: GeneDx Variant Classification Process June 2021. Collection method: clinical testing. Allele origin: germline. Affected: yes.

Genomic Diagnostic Laboratory, Division of Genomic Diagnostics, Children's Hospital of Philadelphia
Classification: Uncertain significance. Last evaluated: 2015-09-30. Review status: criteria provided, single submitter. Criteria: DGD Variant Analysis Guidelines. Collection method: clinical testing. Allele origin: unknown.

Dr. Peter K. Rogan Lab, Western University
No classification provided (evidence only). Condition: Acute myeloid leukemia. Review status: no classification provided. Collection method: in vitro. Allele origin: not applicable. Functional consequence: retained intron. Not counted in ClinVar's aggregate classification.

Dr. Peter K. Rogan Lab, Western University
No classification provided (evidence only). Condition: Colon adenocarcinoma. Review status: no classification provided. Collection method: in vitro. Allele origin: not applicable. Functional consequence: retained intron. Not counted in ClinVar's aggregate classification.

Dr. Peter K. Rogan Lab, Western University
No classification provided (evidence only). Condition: Cervical cancer. Review status: no classification provided. Collection method: in vitro. Allele origin: not applicable. Functional consequence: retained intron. Not counted in ClinVar's aggregate classification.

Dr. Peter K. Rogan Lab, Western University
No classification provided (evidence only). Condition: Nonpapillary renal cell carcinoma. Review status: no classification provided. Collection method: in vitro. Allele origin: not applicable. Functional consequence: retained intron. Not counted in ClinVar's aggregate classification.

Dr. Peter K. Rogan Lab, Western University
No classification provided (evidence only). Condition: Ovarian serous cystadenocarcinoma. Review status: no classification provided. Collection method: in vitro. Allele origin: not applicable. Functional consequence: retained intron. Not counted in ClinVar's aggregate classification.

Dr. Peter K. Rogan Lab, Western University
No classification provided (evidence only). Condition: Gastric cancer. Review status: no classification provided. Collection method: in vitro. Allele origin: not applicable. Functional consequence: retained intron. Not counted in ClinVar's aggregate classification.

Dr. Peter K. Rogan Lab, Western University
No classification provided (evidence only). Condition: Uveal melanoma. Review status: no classification provided. Collection method: in vitro. Allele origin: not applicable. Functional consequence: retained intron. Not counted in ClinVar's aggregate classification.

Genome Diagnostics Laboratory, University Medical Center Utrecht
Classification: Benign. Review status: no assertion criteria provided. Collection method: clinical testing. Allele origin: germline. Affected: yes. Study: VKGL Data-share Consensus. Not counted in ClinVar's aggregate classification.

Laboratory of Diagnostic Genome Analysis, Leiden University Medical Center (LUMC)
Classification: Likely benign. Review status: no assertion criteria provided. Collection method: clinical testing. Allele origin: germline. Affected: yes. Study: VKGL Data-share Consensus. Not counted in ClinVar's aggregate classification.

NM_015158.5(KANK1):c.3554-5T>A

Gene: KANK1 (KN motif and ankyrin repeat domains 1; plus strand). Cytogenetic location: 9p24.3.
Variant type: single nucleotide variant.
Coding change: c.3554-5T>A on transcript NM_015158.5 (MANE Select); 5 bases into the intron before coding-DNA position 3554, T replaced by A.
Molecular consequence: intron variant.
Genome position (GRCh38, 1-based): chr9:740,787, T>A. VCF-style: chr9-740787-T-A. GRCh37 (hg19) VCF-style: chr9-740787-T-A.
Other names: c.3554-5T>A (NM_001256876.3, NM_001354334.2, NM_001256877.3); c.3080-5T>A (NM_001354333.2, NM_001354335.2, NM_001354337.2 and 2 more transcripts); c.3314-5T>A (NM_001354331.2); c.3500-5T>A (NM_001354332.2); c.2786-5T>A (NM_001354336.2); c.2840-5T>A (NM_001354339.2, NM_001354343.2, NM_001354342.2); c.3026-5T>A (NM_001354338.2, NM_001354340.2, NM_001354344.2).
Identifiers: ClinVar variation 252574 (VCV000252574.42), dbSNP rs76738278, ClinGen allele CA4961037.